The following is an entry in ClinVar:

ClinVar aggregate classification (germline): Uncertain significance (1 of 4 stars; one submission).

Conditions:
Joubert syndrome. Also called: CEREBELLOPARENCHYMAL DISORDER IV; JOUBERT-BOLTSHAUSER SYNDROME; Familial aplasia of the vermis. Identifiers: Orphanet 475, MedGen C5979921, MONDO:0018772.
Nephronophthisis. Also called: Juvenile Nephronophthisis. Identifiers: Orphanet 655, MedGen C0687120, MONDO:0019005, HP:0000090.
Meckel-Gruber syndrome. Also called: DYSENCEPHALIA SPLANCHNOCYSTICA; GRUBER SYNDROME; Dysencephalia splachnocystica. Identifiers: Orphanet 564, MedGen C0265215, MONDO:0018921.

Submission:

Labcorp Genetics (formerly Invitae), Labcorp
Classification: Uncertain significance for Joubert syndrome; Meckel-Gruber syndrome; Nephronophthisis. Last evaluated: 2024-05-16. Review status: criteria provided, single submitter. Criteria: Invitae Variant Classification Sherloc (09022015). Collection method: clinical testing. Allele origin: germline.
Comment: This sequence change replaces glutamic acid, which is acidic and polar, with alanine, which is neutral and non-polar, at codon 534 of the CEP290 protein (p.Glu534Ala). This variant is not present in population databases (gnomAD no frequency). This variant has not been reported in the literature in individuals affected with CEP290-related conditions. Advanced modeling of protein sequence and biophysical properties (such as structural, functional, and spatial information, amino acid conservation, physicochemical variation, residue mobility, and thermodynamic stability) performed at Invitae indicates that this missense variant is expected to disrupt CEP290 protein function with a positive predictive value of 80%. In summary, the available evidence is currently insufficient to determine the role of this variant in disease. Therefore, it has been classified as a Variant of Uncertain Significance.

NM_025114.4(CEP290):c.1601A>C (p.Glu534Ala)

Gene: CEP290 (centrosomal protein 290; minus strand). Cytogenetic location: 12q21.32.
Variant type: single nucleotide variant.
Coding change: c.1601A>C on transcript NM_025114.4 (MANE Select); coding-DNA position 1601, A replaced by C.
Protein change: p.Glu534Ala; replaces glutamic acid 534 with alanine.
Molecular consequence: missense variant.
Genome position (GRCh38, 1-based): chr12:88,118,665, T>G on the plus strand (A>C on the coding strand, the complement: CEP290 is on the minus strand). VCF-style: chr12-88118665-T-G. GRCh37 (hg19) VCF-style: chr12-88512442-T-G.
Other names: short protein forms E534A.
Identifiers: ClinVar variation 3756391 (VCV003756391.2).